The following is an entry in ClinVar:

NM_144997.7(FLCN):c.256_269del (p.Ser87fs)

Gene: FLCN (folliculin; minus strand). Cytogenetic location: 17p11.2.
Variant type: Deletion.
Coding change: c.256_269del on transcript NM_144997.7 (MANE Select); coding-DNA positions 256 to 269, 14 bases deleted (CGGTCACTTGCTGC).
Protein change: p.Ser87fs; shifts the reading frame from serine 87.
Molecular consequence: frameshift variant.
Genome position (GRCh38, 1-based): chr17:17,226,303-17,226,316, GCAGCAAGTGACCG deleted on the plus strand (CGGTCACTTGCTGC on the coding strand, the reverse complement: FLCN is on the minus strand); deleting any 14 consecutive bases within chr17:17,226,303-17,226,321 gives the same sequence; the c. name uses the placement nearest the transcript's 3' end. VCF-style (leftmost placement, unchanged base first): chr17-17226302-TGCAGCAAGTGACCG-T. GRCh37 (hg19) VCF-style: chr17-17129616-TGCAGCAAGTGACCG-T.
Other names: c.256_269del, p.Ser87fs (NM_001353229.2, NM_001353230.2, NM_001353231.2 and 1 more transcripts); short protein forms S87fs.
Identifiers: ClinVar variation 1192224 (VCV001192224.1), dbSNP rs2145014205, ClinGen allele CA2499223927.

ClinVar aggregate classification (germline): Likely pathogenic (1 of 4 stars; one submission).

Conditions:
Birt-Hogg-Dube syndrome. Also called: Birt Hogg Dubé syndrome. Identifiers: Orphanet 122, MedGen C0346010, MONDO:0800444.

Submission:

Women's Health and Genetics/Laboratory Corporation of America, LabCorp
Classification: Likely pathogenic for Birt-Hogg-Dube syndrome. Last evaluated: 2021-07-18. Review status: criteria provided, single submitter. Criteria: LabCorp Variant Classification Summary - May 2015. Collection method: clinical testing. Allele origin: germline.
Comment: Variant summary: FLCN c.256_269del14 (p.Ser87AlafsX8) results in a premature termination codon, predicted to cause a truncation of the encoded protein or absence of the protein due to nonsense mediated decay, which are commonly known mechanisms for disease. Truncations downstream of this position have been classified as pathogenic by our laboratory. The variant was absent in 251382 control chromosomes. c.256_269del14 has been reported in the literature in at-least one individual affected with facial papules and pneumothoraces and a confirmed diagnosis of Birt-Hogg-Dube Syndrome (example, Lichte_2012). To our knowledge, no experimental evidence demonstrating an impact on protein function has been reported. No clinical diagnostic laboratories have submitted clinical-significance assessments for this variant to ClinVar after 2014. Based on the evidence outlined above, the variant was classified as likely pathogenic.

Literature cited by the submitters: PubMed 23052100.